The following is an entry in ClinVar:

ClinVar aggregate classification (germline): Likely benign. Review status: criteria provided, multiple submitters, no conflicts (2 of 4 stars). 2 submissions from 2 submitters: Likely benign (2). Last evaluated 2024-07-29.

Conditions:
Familial cancer of breast. Also called: hereditary breast carcinoma; BREAST CANCER, FAMILIAL; Hereditary breast cancer. Identifiers: Orphanet 227535, MedGen C0346153, MONDO:0016419, OMIM 114480. Disease mechanism: loss of function.

Submissions (2):

Myriad Genetics, Inc.
Classification: Likely benign for Familial cancer of breast. Last evaluated: 2024-07-29. Review status: criteria provided, single submitter. Criteria: Myriad Autosomal Dominant, Autosomal Recessive and X-Linked Classification Criteria (2023). Collection method: clinical testing. Allele origin: unknown.
Comment: This variant is considered likely benign. This variant is intronic and is not expected to impact mRNA splicing.

Labcorp Genetics (formerly Invitae), Labcorp
Classification: Likely benign for Familial cancer of breast. Last evaluated: 2023-03-19. Review status: criteria provided, single submitter. Criteria: Invitae Variant Classification Sherloc (09022015). Collection method: clinical testing. Allele origin: germline.

NM_000465.4(BARD1):c.2002-9T>C

Gene: BARD1 (BRCA1 associated RING domain 1; minus strand). Cytogenetic location: 2q35.
Variant type: single nucleotide variant.
Coding change: c.2002-9T>C on transcript NM_000465.4 (MANE Select); 9 bases into the intron before coding-DNA position 2002, T replaced by C.
Molecular consequence: intron variant.
Genome position (GRCh38, 1-based): chr2:214,729,017, A>G on the plus strand (T>C on the coding strand, the complement: BARD1 is on the minus strand). VCF-style: chr2-214729017-A-G. GRCh37 (hg19) VCF-style: chr2-215593741-A-G.
Other names: c.592-9T>C (NM_001282548.2); c.1945-9T>C (NM_001282543.2); c.649-9T>C (NM_001282545.2); c.463-9T>C (NM_001282549.2).
Identifiers: ClinVar variation 1577783 (VCV001577783.10), dbSNP rs2105988074, ClinGen allele CA2573135125.